The following is an entry in ClinVar:

ClinVar aggregate classification (germline): Uncertain significance (1 of 4 stars; one submission).

gnomAD v4.1: 3 of 1,613,338 alleles (0.00019%); highest among the groups gnomAD compares: Non-Finnish European, 0.00025%; no homozygotes.

Submission:

Labcorp Genetics (formerly Invitae), Labcorp
Classification: Uncertain significance. Last evaluated: 2025-04-08. Review status: criteria provided, single submitter. Criteria: Invitae Variant Classification Sherloc (09022015). Collection method: clinical testing. Allele origin: germline.
Comment: This sequence change replaces serine, which is neutral and polar, with asparagine, which is neutral and polar, at codon 156 of the MYLK3 protein (p.Ser156Asn). This variant is not present in population databases (gnomAD no frequency). This variant has not been reported in the literature in individuals affected with MYLK3-related conditions. An algorithm developed to predict the effect of missense changes on protein structure and function (PolyPhen-2) suggests that this variant is likely to be tolerated. In summary, the available evidence is currently insufficient to determine the role of this variant in disease. Therefore, it has been classified as a Variant of Uncertain Significance.

NM_182493.3(MYLK3):c.467G>A (p.Ser156Asn)

Gene: MYLK3 (myosin light chain kinase 3; minus strand). Cytogenetic location: 16q11.2.
Variant type: single nucleotide variant.
Coding change: c.467G>A on transcript NM_182493.3 (MANE Select); coding-DNA position 467, G replaced by A.
Protein change: p.Ser156Asn; replaces serine 156 with asparagine.
Molecular consequence: missense variant. On other transcripts: intron variant (1).
Genome position (GRCh38, 1-based): chr16:46,747,727, C>T on the plus strand (G>A on the coding strand, the complement: MYLK3 is on the minus strand). VCF-style: chr16-46747727-C-T. GRCh37 (hg19) VCF-style: chr16-46781639-C-T.
Other names: c.-113-7580G>A (NM_001308301.1); short protein forms S156N.
Identifiers: ClinVar variation 4781721 (VCV004781721.1).